The following is an entry in ClinVar:

NC_000017.10:g.(?_73942829)_(73956476_?)dup

Gene: ACOX1 (acyl-CoA oxidase 1; minus strand). Cytogenetic location: 17q25.1.
Variant type: Duplication.
Identifiers: ClinVar variation 2425012 (VCV002425012.4).

ClinVar aggregate classification (germline): Uncertain significance (1 of 4 stars; one submission).

Conditions:
Acyl-CoA oxidase deficiency. Also called: STRAIGHT-CHAIN ACYL-CoA OXIDASE DEFICIENCY; Peroxisomal acyl-CoA oxidase deficiency; Pseudoneonatal adrenoleukodystrophy. Identifiers: Orphanet 2971, MedGen C1849678, MONDO:0009919, OMIM 264470. Disease mechanism: loss of function.

Submission:

Labcorp Genetics (formerly Invitae), Labcorp
Classification: Uncertain significance for Acyl-CoA oxidase deficiency. Last evaluated: 2023-12-06. Review status: criteria provided, single submitter. Criteria: Invitae Variant Classification Sherloc (09022015). Collection method: clinical testing. Allele origin: germline.
Comment: This variant results in a copy number gain of the genomic region encompassing exon(s) 3-14 of the ACOX1 gene. This region includes the termination codon of the gene. This copy number gain extends beyond the assayed region for this gene and therefore may encompass additional genes. As the precise location of this event is unknown, it may be in tandem or it may be located elsewhere in the genome. This variant has not been reported in the literature in individuals affected with ACOX1-related conditions. In summary, the available evidence is currently insufficient to determine the role of this variant in disease. Therefore, it has been classified as a Variant of Uncertain Significance.